The following is an entry in ClinVar:

NM_172107.4(KCNQ2):c.2480G>T (p.Cys827Phe)

Gene: KCNQ2 (potassium voltage-gated channel subfamily Q member 2; minus strand). Cytogenetic location: 20q13.33.
Variant type: single nucleotide variant.
Coding change: c.2480G>T on transcript NM_172107.4 (MANE Select); coding-DNA position 2480, G replaced by T.
Protein change: p.Cys827Phe; replaces cysteine 827 with phenylalanine.
Molecular consequence: missense variant.
Genome position (GRCh38, 1-based): chr20:63,406,783, C>A on the plus strand (G>T on the coding strand, the complement: KCNQ2 is on the minus strand). VCF-style: chr20-63406783-C-A. GRCh37 (hg19) VCF-style: chr20-62038136-C-A.
Other names: c.2534G>T, p.Cys845Phe (NM_001382235.1); c.2396G>T, p.Cys799Phe (NM_004518.6); c.2426G>T, p.Cys809Phe (NM_172106.3); c.2387G>T, p.Cys796Phe (NM_172108.5); short protein forms C796F, C845F, C827F, C799F, C809F.
Identifiers: ClinVar variation 1355234 (VCV001355234.9), dbSNP rs2145482824, ClinGen allele CA409636899.

ClinVar aggregate classification (germline): Uncertain significance (1 of 4 stars; one submission).

Conditions:
Early-infantile DEE. Also called: Early infantile epileptic encephalopathy with suppression bursts; Early infantile epileptic encephalopathy; Ohtahara syndrome. Identifiers: Orphanet 1934, MedGen C0393706, MONDO:0800491.

Submission:

Labcorp Genetics (formerly Invitae), Labcorp
Classification: Uncertain significance for Early-infantile DEE. Last evaluated: 2022-07-26. Review status: criteria provided, single submitter. Criteria: Invitae Variant Classification Sherloc (09022015). Collection method: clinical testing. Allele origin: germline.
Comment: In summary, the available evidence is currently insufficient to determine the role of this variant in disease. Therefore, it has been classified as a Variant of Uncertain Significance. Algorithms developed to predict the effect of missense changes on protein structure and function are either unavailable or do not agree on the potential impact of this missense change (SIFT: "Deleterious"; PolyPhen-2: "Probably Damaging"; Align-GVGD: "Class C0"). ClinVar contains an entry for this variant (Variation ID: 1355234). This variant has not been reported in the literature in individuals affected with KCNQ2-related conditions. This variant is not present in population databases (gnomAD no frequency). This sequence change replaces cysteine, which is neutral and slightly polar, with phenylalanine, which is neutral and non-polar, at codon 827 of the KCNQ2 protein (p.Cys827Phe).